The following is an entry in ClinVar:

ClinVar aggregate classification (germline): Uncertain significance. Review status: criteria provided, multiple submitters, no conflicts (2 of 4 stars). 3 submissions from 3 submitters: Uncertain significance (3). Last evaluated 2024-12-28.

Conditions:
Inborn genetic diseases. Identifiers: MedGen C0950123, MeSH D030342.
Marinesco-Sjögren syndrome (MSS). Also called: Marinesco-SjÃ¶gren syndrome; Marinesco-Sjogren Syndrome. Identifiers: Orphanet 559, MedGen C0024814, MONDO:0009567, OMIM 248800.

Allele frequency attached by ClinVar (database versions not stated): gnomAD 0.00001; gnomAD exomes 0.00001.
gnomAD v4.1: 33 of 1,614,040 alleles (0.002%); highest among the groups gnomAD compares: Non-Finnish European, 0.0028%; no homozygotes.

Submissions (3):

Ambry Genetics
Classification: Uncertain significance for Inborn genetic diseases. Last evaluated: 2024-12-28. Review status: criteria provided, single submitter. Criteria: Ambry Variant Classification Scheme 2023. Collection method: clinical testing. Allele origin: germline.

Labcorp Genetics (formerly Invitae), Labcorp
Classification: Uncertain significance for Marinesco-Sjögren syndrome. Last evaluated: 2022-05-20. Review status: criteria provided, single submitter. Criteria: Invitae Variant Classification Sherloc (09022015). Collection method: clinical testing. Allele origin: germline.
Comment: This sequence change replaces glutamic acid, which is acidic and polar, with glycine, which is neutral and non-polar, at codon 200 of the SIL1 protein (p.Glu200Gly). This variant is present in population databases (no rsID available, gnomAD 0.002%). This variant has not been reported in the literature in individuals affected with SIL1-related conditions. ClinVar contains an entry for this variant (Variation ID: 451822). Algorithms developed to predict the effect of missense changes on protein structure and function (SIFT, PolyPhen-2, Align-GVGD) all suggest that this variant is likely to be tolerated. In summary, the available evidence is currently insufficient to determine the role of this variant in disease. Therefore, it has been classified as a Variant of Uncertain Significance.

GeneDx
Classification: Uncertain significance. Last evaluated: 2017-09-01. Review status: criteria provided, single submitter. Criteria: GeneDx Variant Classification (06012015). Collection method: clinical testing. Allele origin: germline. Affected: yes.
Comment: The E200G variant has not been published as a pathogenic variant, nor has it been reported as a benign variant to our knowledge. The E200G variant is not observed in large population cohorts (Lek et al., 2016; 1000 Genomes Consortium et al., 2015; Exome Variant Server). This variant is a non-conservative amino acid substitution, which is likely to impact secondary protein structure as these residues differ in polarity, charge, size and/or other properties. This substitution occurs at a position that is conserved in mammals, and in silico analysis predicts this variant is probably damaging to the protein structure/function.

NM_022464.5(SIL1):c.599A>G (p.Glu200Gly)

Gene: SIL1 (SIL1 nucleotide exchange factor; minus strand). Cytogenetic location: 5q31.2.
Variant type: single nucleotide variant.
Coding change: c.599A>G on transcript NM_022464.5 (MANE Select); coding-DNA position 599, A replaced by G.
Protein change: p.Glu200Gly; replaces glutamic acid 200 with glycine.
Molecular consequence: missense variant.
Genome position (GRCh38, 1-based): chr5:139,026,847, T>C on the plus strand (A>G on the coding strand, the complement: SIL1 is on the minus strand). VCF-style: chr5-139026847-T-C. GRCh37 (hg19) VCF-style: chr5-138362536-T-C.
Other names: c.599A>G, p.Glu200Gly (NM_001037633.2); short protein forms E200G.
Identifiers: ClinVar variation 451822 (VCV000451822.5), dbSNP rs879437180, ClinGen allele CA128240861.